The following is an entry in ClinVar:

ClinVar aggregate classification (germline): Conflicting classifications of pathogenicity. Review status: criteria provided, conflicting classifications (1 of 4 stars). 7 submissions from 7 submitters: Likely pathogenic (3); Uncertain significance (3). 1 of the submissions does not count toward it. Last evaluated 2026-01-18.

Conditions:
CABP4-related disorder. Also called: CABP4-related condition.
Cone-rod synaptic disorder, congenital nonprogressive. Also called: NIGHT BLINDNESS, CONGENITAL STATIONARY, INCOMPLETE, AUTOSOMAL RECESSIVE. Identifiers: Orphanet 215, MedGen C4041558, MONDO:0012490, OMIM 610427.

Allele frequency attached by ClinVar (database versions not stated): ExAC 0.00016; gnomAD exomes 0.00018; TOPMed 0.00020; gnomAD 0.00021 and 0.00022; 1000 Genomes Project 30x 0.00031; 1000 Genomes Project 0.00040.
gnomAD v4.1: 500 of 1,613,226 alleles (0.031%); highest among the groups gnomAD compares: Non-Finnish European, 0.04%; no homozygotes.

Submissions (7):

Labcorp Genetics (formerly Invitae), Labcorp
Classification: Likely pathogenic. Last evaluated: 2026-01-18. Review status: criteria provided, single submitter. Criteria: Invitae Variant Classification Sherloc (09022015). Collection method: clinical testing. Allele origin: germline.
Comment: This sequence change replaces arginine, which is basic and polar, with cysteine, which is neutral and slightly polar, at codon 124 of the CABP4 protein (p.Arg124Cys). This variant is present in population databases (rs121917828, gnomAD 0.05%). This missense change has been observed in individual(s) with congenital stationary night blindness (PMID: 16960802, 37734845). In at least one individual the data is consistent with being in trans (on the opposite chromosome) from a pathogenic variant. ClinVar contains an entry for this variant (Variation ID: 1953). Invitae Evidence Modeling of protein sequence and biophysical properties (such as structural, functional, and spatial information, amino acid conservation, physicochemical variation, residue mobility, and thermodynamic stability) indicates that this missense variant is expected to disrupt CABP4 protein function with a positive predictive value of 80%. In summary, the currently available evidence indicates that the variant is pathogenic, but additional data are needed to prove that conclusively. Therefore, this variant has been classified as Likely Pathogenic.

PreventionGenetics, part of Exact Sciences
Classification: Uncertain significance for CABP4-related condition. Last evaluated: 2025-12-17. Review status: criteria provided, single submitter. Criteria: ACMG Guidelines, 2015. Collection method: clinical testing. Allele origin: germline.
Comment: The CABP4 c.370C>T variant is predicted to result in the amino acid substitution p.Arg124Cys. This variant was reported, along with a second potentially causative variant, in individuals with autosomal recessive night blindness (Zeitz et al. 2006. PubMed ID: 16960802; Khan et al. 2012. PubMed ID: 23099293; supplementary data, Weisschuh et al. 2024. PubMed ID: 37734845). This variant is reported in 0.048% of alleles in individuals of African descent in gnomAD. At this time, the clinical significance of this variant is uncertain due to the absence of conclusive functional and genetic evidence.

First Genomix Gene Laboratory, Genetic Diagnostics Department
Classification: Likely pathogenic for Cone-rod synaptic disorder, congenital nonprogressive. Last evaluated: 2025-09-26. Review status: criteria provided, single submitter. Criteria: ACMG Guidelines, 2015. Collection method: clinical testing. Allele origin: germline. Inheritance: Autosomal recessive inheritance. Affected: no. Observed: 1 variant allele.

Blueprint Genetics
Classification: Likely pathogenic for CABP4-related disorders. Last evaluated: 2024-09-10. Review status: criteria provided, single submitter. Criteria: ACMG Guidelines, 2015. Collection method: clinical testing. Allele origin: germline. Affected: yes. Observed: 5 variant alleles.

GeneDx
Classification: Uncertain significance. Last evaluated: 2022-11-30. Review status: criteria provided, single submitter. Criteria: GeneDx Variant Classification Process June 2021. Collection method: clinical testing. Allele origin: germline. Affected: yes.
Comment: In silico analysis supports that this missense variant has a deleterious effect on protein structure/function; This variant is associated with the following publications: (PMID: 23099293, 31589614, 33369259, 34426522, 16960802, 35791102)

Illumina Laboratory Services, Illumina
Classification: Uncertain significance for Cone-rod synaptic disorder, congenital nonprogressive. Last evaluated: 2017-04-27. Review status: criteria provided, single submitter. Criteria: ICSL Variant Classification Criteria 13 December 2019. Collection method: clinical testing. Allele origin: germline.
Comment: This variant was observed as part of a predisposition screen in an ostensibly healthy population. A literature search was performed for the gene, cDNA change, and amino acid change (where applicable). Publications were found based on this search. However, the evidence from the literature, in combination with allele frequency data from public databases where available, was not sufficient to rule this variant in or out of causing disease. Therefore, this variant is classified as a variant of unknown significance.

OMIM
Classification: Pathogenic for CONE-ROD SYNAPTIC DISORDER, CONGENITAL NONPROGRESSIVE. Last evaluated: 2006-10-01. Review status: no assertion criteria provided. Collection method: literature only. Allele origin: germline. Not counted in ClinVar's aggregate classification.

Literature cited by the submitters: PubMed 16960802 (cited by 3 submitters); PubMed 37734845 (cited by Labcorp Genetics (formerly Invitae), Labcorp); PubMed 25258313 (cited by Illumina Laboratory Services, Illumina); PubMed 19074807 (cited by Illumina Laboratory Services, Illumina); PubMed 23099293 (cited by Illumina Laboratory Services, Illumina); PubMed 20157620 (cited by Illumina Laboratory Services, Illumina).

NM_145200.5(CABP4):c.370C>T (p.Arg124Cys)

Gene: CABP4 (calcium binding protein 4; plus strand). Cytogenetic location: 11q13.2.
Variant type: single nucleotide variant.
Coding change: c.370C>T on transcript NM_145200.5 (MANE Select); coding-DNA position 370, C replaced by T.
Protein change: p.Arg124Cys; replaces arginine 124 with cysteine.
Molecular consequence: missense variant.
Genome position (GRCh38, 1-based): chr11:67,456,191, C>T. VCF-style: chr11-67456191-C-T. GRCh37 (hg19) VCF-style: chr11-67223662-C-T.
Other names: c.55C>T, p.Arg19Cys (NM_001300895.3, NM_001300896.3, NM_001379183.1); short protein forms R124C, R19C.
Identifiers: ClinVar variation 1953 (VCV000001953.15), dbSNP rs121917828, ClinGen allele CA115276.